The following is an entry in ClinVar:

NM_000203.5(IDUA):c.1090A>T (p.Thr364Ser)

Gene: IDUA (alpha-L-iduronidase; plus strand). Cytogenetic location: 4p16.3.
Variant type: single nucleotide variant.
Coding change: c.1090A>T on transcript NM_000203.5 (MANE Select); coding-DNA position 1090, A replaced by T.
Protein change: p.Thr364Ser; replaces threonine 364 with serine.
Molecular consequence: missense variant. On other transcripts: non-coding transcript variant (1).
Genome position (GRCh38, 1-based): chr4:1,002,386, A>T. VCF-style: chr4-1002386-A-T. GRCh37 (hg19) VCF-style: chr4-996174-A-T.
Other names: c.694A>T, p.Thr232Ser (NM_001363576.1); short protein forms T364S, T232S.
Identifiers: ClinVar variation 3636984 (VCV003636984.2).

ClinVar aggregate classification (germline): Likely pathogenic (1 of 4 stars; one submission).

Conditions:
Mucopolysaccharidosis type 1. Also called: IDUA deficiency; MPS I; Mucopolysaccharidosis Type I. Identifiers: Orphanet 579, MedGen C0023786, MONDO:0001586.

Submission:

Labcorp Genetics (formerly Invitae), Labcorp
Classification: Likely pathogenic for Mucopolysaccharidosis type 1. Last evaluated: 2024-02-01. Review status: criteria provided, single submitter. Criteria: Invitae Variant Classification Sherloc (09022015). Collection method: clinical testing. Allele origin: germline.
Comment: This sequence change replaces threonine, which is neutral and polar, with serine, which is neutral and polar, at codon 364 of the IDUA protein (p.Thr364Ser). This variant is not present in population databases (gnomAD no frequency). This variant has not been reported in the literature in individuals affected with IDUA-related conditions. Advanced modeling of protein sequence and biophysical properties (such as structural, functional, and spatial information, amino acid conservation, physicochemical variation, residue mobility, and thermodynamic stability) performed at Invitae indicates that this missense variant is expected to disrupt IDUA protein function with a positive predictive value of 95%. This variant disrupts the p.Thr364 amino acid residue in IDUA. Other variant(s) that disrupt this residue have been determined to be pathogenic (PMID: 9391892, 10466419). This suggests that this residue is clinically significant, and that variants that disrupt this residue are likely to be disease-causing. In summary, the currently available evidence indicates that the variant is pathogenic, but additional data are needed to prove that conclusively. Therefore, this variant has been classified as Likely Pathogenic.

Literature cited by the submitters: PubMed 9391892; PubMed 10466419.